The following is an entry in ClinVar:

NM_001100913.3(PACS2):c.645C>T (p.Asp215=)

Gene: PACS2 (phosphofurin acidic cluster sorting protein 2; plus strand). Cytogenetic location: 14q32.33.
Variant type: single nucleotide variant.
Coding change: c.645C>T on transcript NM_001100913.3 (MANE Select); coding-DNA position 645, C replaced by T.
Protein change: p.Asp215=; no amino-acid change (aspartic acid 215 retained).
Molecular consequence: synonymous variant.
Genome position (GRCh38, 1-based): chr14:105,368,132, C>T. VCF-style: chr14-105368132-C-T. GRCh37 (hg19) VCF-style: chr14-105834469-C-T.
Other names: c.444C>T, p.Asp148= (NM_001243127.3); c.645C>T, p.Asp215= (NM_015197.4).
Identifiers: ClinVar variation 1583351 (VCV001583351.32), dbSNP rs781841033, ClinGen allele CA7388459.
Genomic context (GRCh38, chr14:105,368,132, plus strand): 5'-AGATAACTACTCCGAGGAGGAGTATGAGAGCTTCTCCTCCGAGCAGGAGGCCAGTGACGA[C>T]GCCGTGCAGGGGCAGGTGACCTGGGGCCGGGGCTCCGCGCCCTCTCCTGGCTCACACCGG-3'
Protein context (NP_001094383.2, residues 205-225): SFSSEQEASD[Asp215=]AVQGQDLDED

ClinVar aggregate classification (germline): Likely benign. Review status: criteria provided, multiple submitters, no conflicts (2 of 4 stars). 2 submissions from 2 submitters: Likely benign (2). Last evaluated 2025-04-09.

Allele frequency attached by ClinVar (database versions not stated): gnomAD 0.00003 and 0.00004.

Submissions (2):

Labcorp Genetics (formerly Invitae), Labcorp
Classification: Likely benign. Last evaluated: 2025-04-09. Review status: criteria provided, single submitter. Criteria: Invitae Variant Classification Sherloc (09022015). Collection method: clinical testing. Allele origin: germline.

CeGaT Center for Human Genetics Tuebingen
Classification: Likely benign. Last evaluated: 2022-06-01. Review status: criteria provided, single submitter. Criteria: CeGaT Center For Human Genetics Tuebingen Variant Classification Criteria Version 2. Collection method: clinical testing. Allele origin: germline. Affected: yes. Observed: 1 variant allele.
Comment: PACS2: BP4, BP7